The following is an entry in ClinVar:

ClinVar aggregate classification (germline): Uncertain significance. Review status: criteria provided, multiple submitters, no conflicts (2 of 4 stars). 7 submissions from 7 submitters: Uncertain significance (6). 1 of the submissions does not count toward it. Last evaluated 2026-03-05.

Conditions:
Cystic fibrosis (CF). Also called: MUCOVISCIDOSIS. Identifiers: Orphanet 586, MedGen C0010674, MONDO:0009061, OMIM 219700. Disease mechanism: loss of function.
CFTR-related disorder (CFTR-RD). Also called: CFTR-related disorders; CFTR-related condition. Identifiers: MedGen C5924204, MONDO:7770004.

Allele frequency attached by ClinVar (database versions not stated): gnomAD 0.00001; gnomAD exomes below 0.00001; TOPMed below 0.00001.
gnomAD v4.1: 4 of 1,612,004 alleles (0.00025%); highest among the groups gnomAD compares: Admixed American, 0.0033%; no homozygotes.

Submissions (7):

Women's Health and Genetics/Laboratory Corporation of America, LabCorp
Classification: Uncertain significance. Last evaluated: 2026-03-05. Review status: criteria provided, single submitter. Criteria: LabCorp Variant Classification Summary - May 2015. Collection method: clinical testing. Allele origin: germline.
Comment: Variant summary: CFTR c.3407C>T (p.Ala1136Val) results in a non-conservative amino acid change in the encoded protein sequence. Algorithms developed to predict the effect of missense changes on protein structure and function are either unavailable or do not agree on the potential impact of this missense change. The variant was absent in 251152 control chromosomes. The available data on variant occurrences in the general population are insufficient to allow any conclusion about variant significance. c.3407C>T has been observed in individual(s) affected with congenital bilateral absence of the vas deferens/congenital obstructive azoospermia (e.g. Yang_2015, Wang_2024). These reports do not provide unequivocal conclusions about association of the variant with CFTR-related conditions. To our knowledge, no experimental evidence demonstrating an impact on protein function has been reported. The following publications have been ascertained in the context of this evaluation (PMID: 38114870, 26277102). ClinVar contains an entry for this variant (Variation ID: 595966). Based on the evidence outlined above, the variant was classified as uncertain significance.

Labcorp Genetics (formerly Invitae), Labcorp
Classification: Uncertain significance for Cystic fibrosis. Last evaluated: 2025-12-17. Review status: criteria provided, single submitter. Criteria: Invitae Variant Classification Sherloc (09022015). Collection method: clinical testing. Allele origin: germline.
Comment: This sequence change replaces alanine, which is neutral and non-polar, with valine, which is neutral and non-polar, at codon 1136 of the CFTR protein (p.Ala1136Val). This variant is not present in population databases (gnomAD no frequency). This missense change has been observed in individual(s) with congenital bilateral partial aplasia of the vas deferens (PMID: 26277102, 35913788). ClinVar contains an entry for this variant (Variation ID: 595966). Invitae Evidence Modeling of protein sequence and biophysical properties (such as structural, functional, and spatial information, amino acid conservation, physicochemical variation, residue mobility, and thermodynamic stability) has been performed for this missense variant. However, the output from this modeling did not meet the statistical confidence thresholds required to predict the impact of this variant on CFTR protein function. This variant disrupts the p.Ala1136 amino acid residue in CFTR. Other variant(s) that disrupt this residue have been determined to be pathogenic (PMID: 9164328, 21520337, 22483971, 23951356, 27706244, 33937153, 35119551, 36437957). This suggests that this residue is clinically significant, and that variants that disrupt this residue are likely to be disease-causing. In summary, the available evidence is currently insufficient to determine the role of this variant in disease. Therefore, it has been classified as a Variant of Uncertain Significance.

Genome-Nilou Lab
Classification: Uncertain significance for Cystic fibrosis. Last evaluated: 2021-09-05. Review status: criteria provided, single submitter. Criteria: ACMG Guidelines, 2015. Collection method: clinical testing. Allele origin: germline. Affected: no.

ARUP Laboratories, Molecular Genetics and Genomics, ARUP Laboratories
Classification: Uncertain significance. Last evaluated: 2019-03-07. Review status: criteria provided, single submitter. Criteria: ARUP Molecular Germline Variant Investigation Process. Collection method: clinical testing. Allele origin: germline.
Comment: The CFTR c.3407C>T; p.Ala1136Val variant has been described in an individual with congenital absence of the vas deferens (CAVD; Yang 2015). It contains an entry in ClinVar (Variation ID: 595966) and is absent from general population databases (Exome Variant Server and Genome Aggregation Database), indicating it is not a common polymorphism. The alanine at codon 1136 is highly conserved, and computational algorithms (PolyPhen-2, SIFT) predict that this variant is deleterious. However, due to limited clinical information and lack of functional information regarding this variant, its clinical significance cannot be determined with certainty. REFERENCES Yang X et al. Novel mutations and polymorphisms in the CFTR gene associated with three subtypes of congenital absence of vas deferens. Fertil Steril. 2015 Nov;104(5):1268-75.e1-2.

Eurofins Ntd Llc (ga)
Classification: Uncertain significance. Last evaluated: 2018-02-02. Review status: criteria provided, single submitter. Criteria: EGL Classification Definitions 2015. Collection method: clinical testing. Allele origin: germline. Observed: 1 variant allele, 1 heterozygote.

Ambry Genetics
Classification: Uncertain significance for Cystic fibrosis. Last evaluated: 2015-02-06. Review status: criteria provided, single submitter. Criteria: Ambry Variant Classification Scheme 2023. Collection method: clinical testing. Allele origin: germline.
Comment: The p.A1136V variant (also known as c.3407C>T), located in coding exon 21 of the CFTR gene, results from a C to T substitution at nucleotide position 3407. The alanine at codon 1136 is replaced by valine, an amino acid with similar properties. This variant was not reported in population based cohorts in the following databases: Database of Single Nucleotide Polymorphisms (dbSNP), NHLBI Exome Sequencing Project (ESP), and 1000 Genomes Project. In the ESP, this variant was not observed in 6503 samples (13006 alleles) with coverage at this position. This amino acid position is highly conserved in available vertebrate species. In addition, this alteration is predicted to be deleterious by in silico analysis. Since supporting evidence is limited at this time, the clinical significance of this variant remains unclear

Natera, Inc.
Classification: Uncertain significance for CFTR-related disorders. Last evaluated: 2019-01-14. Review status: no assertion criteria provided. Collection method: clinical testing. Allele origin: germline. Not counted in ClinVar's aggregate classification.

Literature cited by the submitters: PubMed 26277102 (cited by Women's Health and Genetics/Laboratory Corporation of America, LabCorp and Labcorp Genetics (formerly Invitae), Labcorp); PubMed 38114870 (cited by Women's Health and Genetics/Laboratory Corporation of America, LabCorp); PubMed 35913788 (cited by Labcorp Genetics (formerly Invitae), Labcorp); PubMed 9164328 (cited by Labcorp Genetics (formerly Invitae), Labcorp); PubMed 21520337 (cited by Labcorp Genetics (formerly Invitae), Labcorp); PubMed 22483971 (cited by Labcorp Genetics (formerly Invitae), Labcorp); PubMed 23951356 (cited by Labcorp Genetics (formerly Invitae), Labcorp); PubMed 27706244 (cited by Labcorp Genetics (formerly Invitae), Labcorp); PubMed 33937153 (cited by Labcorp Genetics (formerly Invitae), Labcorp); PubMed 35119551 (cited by Labcorp Genetics (formerly Invitae), Labcorp); PubMed 36437957 (cited by Labcorp Genetics (formerly Invitae), Labcorp).

NM_000492.4(CFTR):c.3407C>T (p.Ala1136Val)

Genes: CFTR-AS2 (CFTR antisense RNA 2; minus strand), CFTR (CF transmembrane conductance regulator; plus strand). Cytogenetic location: 7q31.2.
Variant type: single nucleotide variant.
Coding change: c.3407C>T on transcript NM_000492.4 (MANE Select); coding-DNA position 3407, C replaced by T.
Protein change: p.Ala1136Val; replaces alanine 1136 with valine.
Molecular consequence: missense variant.
Genome position (GRCh38, 1-based): chr7:117,614,652, C>T. VCF-style: chr7-117614652-C-T. GRCh37 (hg19) VCF-style: chr7-117254706-C-T.
Other names: c.3407C>T (NM_000492.3); short protein forms A1136V.
Identifiers: ClinVar variation 595966 (VCV000595966.20), dbSNP rs1562916044, ClinGen allele CA368993447.
Genomic context (GRCh38, chr7:117,614,652, plus strand): 5'-ACGTCTTTTGTGCATCTATAGGAGAAGGAGAAGGAAGAGTTGGTATTATCCTGACTTTAG[C>T]CATGAATATCATGAGTACATTGCAGTGGGCTGTAAACTCCAGCATAGATGTGGATAGCTT-3'
Protein context (NP_000483.3, residues 1126-1146): EGRVGIILTL[Ala1136Val]MNIMSTLQWA